The following is an entry in ClinVar:

ClinVar aggregate classification (germline): Benign. Review status: criteria provided, multiple submitters, no conflicts (2 of 4 stars). 11 submissions from 11 submitters: Benign (10). 1 of the submissions does not count toward it. Last evaluated 2026-02-04.

Conditions:
Mucopolysaccharidosis type 7 (MPS7). Also called: MPS VII; GUSB DEFICIENCY; SLY SYNDROME; BETA-GLUCURONIDASE DEFICIENCY. Identifiers: Orphanet 584, MedGen C0085132, MONDO:0009662, OMIM 253220.

Allele frequency attached by ClinVar (database versions not stated): gnomAD 0.51767 and 0.50676; gnomAD exomes 0.56694 and 0.58528; 1000 Genomes Project 0.58067; ExAC 0.57963; TOPMed 0.50747; ESP Exome Variant Server 0.49085; 1000 Genomes Project 30x 0.57121.
gnomAD v4.1: 906,929 of 1,612,328 alleles (56%); highest among the groups gnomAD compares: East Asian, 87%; 260,371 homozygotes.

Submissions (11):

Labcorp Genetics (formerly Invitae), Labcorp
Classification: Benign for Mucopolysaccharidosis type 7. Last evaluated: 2026-02-04. Review status: criteria provided, single submitter. Criteria: Invitae Variant Classification Sherloc (09022015). Collection method: clinical testing. Allele origin: germline.

Blueprint Genetics
Classification: Benign. Last evaluated: 2024-11-27. Review status: criteria provided, single submitter. Criteria: ACMG Guidelines, 2015. Collection method: clinical testing. Allele origin: germline.

Genome-Nilou Lab
Classification: Benign for Mucopolysaccharidosis type 7. Last evaluated: 2021-08-10. Review status: criteria provided, single submitter. Criteria: ACMG Guidelines, 2015. Collection method: clinical testing. Allele origin: germline. Affected: no.

GeneDx
Classification: Benign. Last evaluated: 2018-07-31. Review status: criteria provided, single submitter. Criteria: GeneDx Variant Classification Process June 2021. Collection method: clinical testing. Allele origin: germline. Affected: yes.

Women's Health and Genetics/Laboratory Corporation of America, LabCorp
Classification: Benign. Last evaluated: 2018-04-16. Review status: criteria provided, single submitter. Criteria: LabCorp Variant Classification Summary - May 2015. Collection method: clinical testing. Allele origin: germline.
Comment: Variant summary: GUSB c.1946T>C (p.Leu649Pro) results in a non-conservative amino acid change in the encoded protein sequence. Three of four in-silico tools predict a benign effect of the variant on protein function. The variant allele was found at a frequency of 0.58 in 276996 control chromosomes, suggesting that it is the major allele and therefore benign. To our knowledge, no occurrence of c.1946T>C in individuals affected with Mucopolysaccharidosis Type VI (Sly Syndrome) and no experimental evidence demonstrating its impact on protein function have been reported. Two clinical diagnostic laboratories have submitted clinical-significance assessments for this variant to ClinVar after 2014 without evidence for independent evaluation, and classified the variant as benign. Based on the evidence outlined above, the variant was classified as benign.

Illumina Laboratory Services, Illumina
Classification: Benign for Mucopolysaccharidosis type 7. Last evaluated: 2018-01-13. Review status: criteria provided, single submitter. Criteria: ICSL Variant Classification Criteria 13 December 2019. Collection method: clinical testing. Allele origin: germline.
Comment: This variant was observed in the ICSL laboratory as part of a predisposition screen in an ostensibly healthy population. It had not been previously curated by ICSL or reported in the Human Gene Mutation Database (HGMD: prior to June 1st, 2018), and was therefore a candidate for classification through an automated scoring system. Utilizing variant allele frequency, disease prevalence and penetrance estimates, and inheritance mode, an automated score was calculated to assess if this variant is too frequent to cause the disease. Based on the score and internal cut-off values, a variant classified as benign is not then subjected to further curation. The score for this variant resulted in a classification of benign for this disease.

Laboratory for Molecular Medicine, Mass General Brigham Personalized Medicine
Classification: Benign. Last evaluated: 2016-03-28. Review status: criteria provided, single submitter. Criteria: LMM Criteria. Collection method: clinical testing. Allele origin: germline.
Comment: Variant identified in a genome or exome case(s) and assessed due to predicted null impact of the variant or pathogenic assertions in the literature or databases. Disclaimer: This variant has not undergone full assessment. The following are preliminary notes: 58% of total chromosomes in ExAC

Eurofins Ntd Llc (ga)
Classification: Benign. Last evaluated: 2013-10-14. Review status: criteria provided, single submitter. Criteria: EGL Classification Definitions 2015. Collection method: clinical testing. Allele origin: germline. Observed: 20 variant alleles, 14 heterozygotes, 6 homozygotes.

Breakthrough Genomics
Classification: Benign. Review status: criteria provided, single submitter. Criteria: ACMG Guidelines, 2015. Collection method: not provided. Allele origin: germline. Inheritance: Autosomal recessive inheritance. Affected: yes.

PreventionGenetics, part of Exact Sciences
Classification: Benign. Review status: criteria provided, single submitter. Criteria: ACMG Guidelines, 2015. Collection method: clinical testing. Allele origin: germline.

Mayo Clinic Laboratories, Mayo Clinic
Classification: Benign. Last evaluated: 2015-10-20. Review status: no assertion criteria provided. Collection method: clinical testing. Allele origin: unknown. Not counted in ClinVar's aggregate classification.

NM_000181.4(GUSB):c.1946T>C (p.Leu649Pro)

Gene: GUSB (glucuronidase beta; minus strand). Cytogenetic location: 7q11.21.
Variant type: single nucleotide variant.
Coding change: c.1946T>C on transcript NM_000181.4 (MANE Select); coding-DNA position 1946, T replaced by C.
Protein change: p.Leu649Pro; replaces leucine 649 with proline.
Molecular consequence: missense variant. On other transcripts: non-coding transcript variant (1).
Genome position (GRCh38, 1-based): chr7:65,960,907, A>G on the plus strand (T>C on the coding strand, the complement: GUSB is on the minus strand). VCF-style: chr7-65960907-A-G. GRCh37 (hg19) VCF-style: chr7-65425894-A-G.
Other names: c.1376T>C, p.Leu459Pro (NM_001293104.2); c.1289T>C, p.Leu430Pro (NM_001293105.2); c.1508T>C, p.Leu503Pro (NM_001284290.2); short protein forms L649P, L430P, L503P, L459P.
Identifiers: ClinVar variation 92588 (VCV000092588.62), dbSNP rs9530, ClinGen allele CA145853.
Genomic context (GRCh38, chr7:65,960,907, plus strand): 5'-AGTCGCCCTGACTCGGGGAGGAAGGGACACGCAGGTGGTATCAGTCTTGCTCAAGTAAAC[A>G]GGCTGTTTTCCAAACATTGTGACTTGGCTACTGAGTGGGGATACCTGGTTTCATTGGCAA-3'
Protein context (NP_000172.2, residues 639-651): VAKSQCLENS[Leu649Pro]FT